The following is an entry in ClinVar:

NM_000391.4(TPP1):c.649G>C (p.Gly217Arg)

Gene: TPP1 (tripeptidyl peptidase 1; minus strand). Cytogenetic location: 11p15.4.
Variant type: single nucleotide variant.
Coding change: c.649G>C on transcript NM_000391.4 (MANE Select); coding-DNA position 649, G replaced by C.
Protein change: p.Gly217Arg; replaces glycine 217 with arginine.
Molecular consequence: missense variant.
Genome position (GRCh38, 1-based): chr11:6,617,013, C>G on the plus strand (G>C on the coding strand, the complement: TPP1 is on the minus strand). VCF-style: chr11-6617013-C-G. GRCh37 (hg19) VCF-style: chr11-6638244-C-G.
Other names: short protein forms G217R.
Identifiers: ClinVar variation 1517787 (VCV001517787.8), dbSNP rs1330875156, ClinGen allele CA379475383.

ClinVar aggregate classification (germline): Likely pathogenic (1 of 4 stars; one submission).

Allele frequency attached by ClinVar (database versions not stated): gnomAD exomes 0.00001.
gnomAD v4.1: 3 of 1,614,104 alleles (0.00019%); highest among the groups gnomAD compares: Non-Finnish European, 0.00025%; no homozygotes.

Submission:

Labcorp Genetics (formerly Invitae), Labcorp
Classification: Likely pathogenic. Last evaluated: 2025-03-23. Review status: criteria provided, single submitter. Criteria: Invitae Variant Classification Sherloc (09022015). Collection method: clinical testing. Allele origin: germline.
Comment: This sequence change replaces glycine, which is neutral and non-polar, with arginine, which is basic and polar, at codon 217 of the TPP1 protein (p.Gly217Arg). This variant is present in population databases (no rsID available, gnomAD 0.002%). This variant has not been reported in the literature in individuals affected with TPP1-related conditions. ClinVar contains an entry for this variant (Variation ID: 1517787). Invitae Evidence Modeling of protein sequence and biophysical properties (such as structural, functional, and spatial information, amino acid conservation, physicochemical variation, residue mobility, and thermodynamic stability) indicates that this missense variant is expected to disrupt TPP1 protein function with a positive predictive value of 95%. This variant disrupts the p.Gly217 amino acid residue in TPP1. Other variant(s) that disrupt this residue have been determined to be pathogenic (PMID: 22245569). This suggests that this residue is clinically significant, and that variants that disrupt this residue are likely to be disease-causing. In summary, the currently available evidence indicates that the variant is pathogenic, but additional data are needed to prove that conclusively. Therefore, this variant has been classified as Likely Pathogenic.

Literature cited by the submitters: PubMed 22245569.